The following is an entry in ClinVar:

NM_001042492.3(NF1):c.34G>A (p.Ala12Thr)

Genes: MIR4733HG (MIR4733 host gene; minus strand), NF1 (neurofibromin 1; plus strand), LOC111811965 (NF1 (neurofibromin 1) promoter region; plus strand). Cytogenetic location: 17q11.2.
Variant type: single nucleotide variant.
Coding change: c.34G>A on transcript NM_001042492.3 (MANE Select); coding-DNA position 34, G replaced by A.
Protein change: p.Ala12Thr; replaces alanine 12 with threonine.
Molecular consequence: missense variant. On other transcripts: non-coding transcript variant (1).
Genome position (GRCh38, 1-based): chr17:31,095,343, G>A. VCF-style: chr17-31095343-G-A. GRCh37 (hg19) VCF-style: chr17-29422361-G-A.
Other names: c.34G>A, p.Ala12Thr (NM_000267.4, NM_001128147.3); short protein forms A12T.
Identifiers: ClinVar variation 2127100 (VCV002127100.5), dbSNP rs2544511365, ClinGen allele CA398979303.

ClinVar aggregate classification (germline): Uncertain significance. Review status: criteria provided, multiple submitters, no conflicts (2 of 4 stars). 2 submissions from 2 submitters: Uncertain significance (2). Last evaluated 2025-05-14.

Conditions:
Cardiovascular phenotype. Identifiers: MedGen CN230736.
Hereditary cancer-predisposing syndrome. Also called: Hereditary Cancer Syndrome; Neoplastic Syndromes, Hereditary; Hereditary neoplastic syndrome; Tumor predisposition. Identifiers: Orphanet 140162, MedGen C0027672, MeSH D009386, MONDO:0015356.
Neurofibromatosis, type 1 (NF1). Also called: Peripheral type neurofibromatosis; NEUROFIBROMATOSIS, TYPE I, SOMATIC; Neurofibromatosis, type I; VON RECKLINGHAUSEN DISEASE. Identifiers: Orphanet 636, MedGen C0027831, MONDO:0018975, OMIM 162200. Disease mechanism: loss of function.

Submissions (2):

Ambry Genetics
Classification: Uncertain significance for Cardiovascular phenotype; Hereditary cancer-predisposing syndrome. Last evaluated: 2025-05-14. Review status: criteria provided, single submitter. Criteria: Ambry Variant Classification Scheme 2023. Collection method: clinical testing. Allele origin: germline.
Comment: The p.A12T variant (also known as c.34G>A), located in coding exon 1 of the NF1 gene, results from a G to A substitution at nucleotide position 34. The alanine at codon 12 is replaced by threonine, an amino acid with similar properties. This amino acid position is well conserved in available vertebrate species. In addition, this alteration is predicted to be tolerated by in silico analysis. Based on the available evidence, the clinical significance of this variant remains unclear.

Labcorp Genetics (formerly Invitae), Labcorp
Classification: Uncertain significance for Neurofibromatosis, type 1. Last evaluated: 2022-07-04. Review status: criteria provided, single submitter. Criteria: Invitae Variant Classification Sherloc (09022015). Collection method: clinical testing. Allele origin: germline.
Comment: This sequence change replaces alanine, which is neutral and non-polar, with threonine, which is neutral and polar, at codon 12 of the NF1 protein (p.Ala12Thr). In summary, the available evidence is currently insufficient to determine the role of this variant in disease. Therefore, it has been classified as a Variant of Uncertain Significance. Advanced modeling of protein sequence and biophysical properties (such as structural, functional, and spatial information, amino acid conservation, physicochemical variation, residue mobility, and thermodynamic stability) performed at Invitae indicates that this missense variant is not expected to disrupt NF1 protein function. This variant has not been reported in the literature in individuals affected with NF1-related conditions. This variant is not present in population databases (gnomAD no frequency).